The following is an entry in ClinVar:

ClinVar aggregate classification (germline): Conflicting classifications of pathogenicity. Review status: criteria provided, conflicting classifications (1 of 4 stars). 5 submissions from 5 submitters: Uncertain significance (2); Likely benign (1). 2 of the submissions do not count toward it. Last evaluated 2024-04-08.

Conditions:
Retinal dystrophy. Also called: Inherited retinal dystrophy. Identifiers: Orphanet 71862, MedGen C0854723, MeSH D058499, MONDO:0019118, HP:0000556.
Leber congenital amaurosis 2 (LCA2). Also called: AMAUROSIS CONGENITA OF LEBER II; Autosomal Recessive RPE65-Related Retinal Degeneration. Identifiers: Orphanet 65, MedGen C1859844, MONDO:0008765, OMIM 204100. Disease mechanism: loss of function.
Retinitis pigmentosa 20 (RP20). Identifiers: Orphanet 791, MedGen C3151086, MONDO:0013425, OMIM 613794.
RPE65-related disorder. Also called: RPE65-related condition; RPE65-related disorders. Identifiers: MedGen CN239301.
Leber congenital amaurosis (LCA). Also called: Leber's amaurosis. Identifiers: Orphanet 65, MedGen C0339527, MeSH D057130, MONDO:0018998.

Allele frequency attached by ClinVar (database versions not stated): gnomAD exomes 0.00001 and 0.00006; gnomAD 0.00004 and 0.00005; TOPMed 0.00006; ExAC 0.00008; 1000 Genomes Project 30x 0.00016; 1000 Genomes Project 0.00020.
gnomAD v4.1: 26 of 1,612,744 alleles (0.0016%); highest among the groups gnomAD compares: East Asian, 0.051%; no homozygotes.

Submissions (5):

Labcorp Genetics (formerly Invitae), Labcorp
Classification: Uncertain significance for Leber congenital amaurosis 2; Retinitis pigmentosa 20. Last evaluated: 2024-04-08. Review status: criteria provided, single submitter. Criteria: Invitae Variant Classification Sherloc (09022015). Collection method: clinical testing. Allele origin: germline.
Comment: This sequence change affects codon 483 of the RPE65 mRNA. It is a 'silent' change, meaning that it does not change the encoded amino acid sequence of the RPE65 protein. It affects a nucleotide within the consensus splice site. This variant is present in population databases (rs201116540, gnomAD 0.08%). This variant has not been reported in the literature in individuals affected with RPE65-related conditions. ClinVar contains an entry for this variant (Variation ID: 966079). Algorithms developed to predict the effect of sequence changes on RNA splicing suggest that this variant is not likely to affect RNA splicing. In summary, the available evidence is currently insufficient to determine the role of this variant in disease. Therefore, it has been classified as a Variant of Uncertain Significance.

Dept Of Ophthalmology, Nagoya University
Classification: Uncertain significance for Retinal dystrophy. Last evaluated: 2023-10-01. Review status: criteria provided, single submitter. Criteria: Submitter's publication. Collection method: research. Allele origin: germline. Affected: yes.

Blueprint Genetics
Classification: Likely benign. Last evaluated: 2022-11-02. Review status: criteria provided, single submitter. Criteria: ACMG Guidelines, 2015. Collection method: clinical testing. Allele origin: germline.

PreventionGenetics, part of Exact Sciences
Classification: Likely benign for RPE65-related condition. Last evaluated: 2021-08-06. Review status: no assertion criteria provided. Collection method: clinical testing. Allele origin: germline. Not counted in ClinVar's aggregate classification.
Comment: This variant is classified as likely benign based on ACMG/AMP sequence variant interpretation guidelines (Richards et al. 2015 PMID: 25741868, with internal and published modifications).

Natera, Inc.
Classification: Uncertain significance for Leber congenital amaurosis. Last evaluated: 2019-09-09. Review status: no assertion criteria provided. Collection method: clinical testing. Allele origin: germline. Not counted in ClinVar's aggregate classification.

NM_000329.3(RPE65):c.1449T>C (p.Asp483=)

Gene: RPE65 (retinoid isomerohydrolase RPE65; minus strand). Cytogenetic location: 1p31.3.
Variant type: single nucleotide variant.
Coding change: c.1449T>C on transcript NM_000329.3 (MANE Select); coding-DNA position 1449, T replaced by C.
Protein change: p.Asp483=; no amino-acid change (aspartic acid 483 retained).
Molecular consequence: synonymous variant.
Genome position (GRCh38, 1-based): chr1:68,431,066, A>G on the plus strand (T>C on the coding strand, the complement: RPE65 is on the minus strand). VCF-style: chr1-68431066-A-G. GRCh37 (hg19) VCF-style: chr1-68896749-A-G.
Identifiers: ClinVar variation 966079 (VCV000966079.9), dbSNP rs201116540, ClinGen allele CA902167.